The following is an entry in ClinVar:

NM_000426.4(LAMA2):c.5405G>T (p.Arg1802Leu)

Gene: LAMA2 (laminin subunit alpha 2; plus strand). Cytogenetic location: 6q22.33.
Variant type: single nucleotide variant.
Coding change: c.5405G>T on transcript NM_000426.4 (MANE Select); coding-DNA position 5405, G replaced by T.
Protein change: p.Arg1802Leu; replaces arginine 1802 with leucine.
Molecular consequence: missense variant.
Genome position (GRCh38, 1-based): chr6:129,393,215, G>T. VCF-style: chr6-129393215-G-T. GRCh37 (hg19) VCF-style: chr6-129714360-G-T.
Other names: c.5405G>T, p.Arg1802Leu (NM_001079823.2); short protein forms R1802L.
Identifiers: ClinVar variation 477486 (VCV000477486.17), dbSNP rs141235562, ClinGen allele CA3993865.

ClinVar aggregate classification (germline): Conflicting classifications of pathogenicity. Review status: criteria provided, conflicting classifications (1 of 4 stars). 5 submissions from 5 submitters: Uncertain significance (4); Benign (1). Last evaluated 2026-01-20.

Conditions:
Inborn genetic diseases. Identifiers: MedGen C0950123, MeSH D030342.
Muscular dystrophy, limb-girdle, autosomal recessive 23. Identifiers: Orphanet 565837, MedGen C4748327, MONDO:0029136, OMIM 618138.
Merosin deficient congenital muscular dystrophy (MDC1A). Also called: Congenital merosin-deficient muscular dystrophy 1A; Congenital Muscular Dystrophy Type 1A (MDC1A). Identifiers: Orphanet 258, MedGen C1263858, MONDO:0011925, OMIM 607855.
LAMA2-related muscular dystrophy (LAMA2-RD). Also called: Laminin alpha 2-related dystrophy. Identifiers: MedGen C5679788, MONDO:0100228.

Allele frequency attached by ClinVar (database versions not stated): gnomAD 0.00022; TOPMed 0.00022; ESP Exome Variant Server 0.00023.
gnomAD v4.1: 82 of 1,613,874 alleles (0.0051%); highest among the groups gnomAD compares: African/African-American, 0.08%; no homozygotes.

Submissions (6):

Labcorp Genetics (formerly Invitae), Labcorp
Classification: Benign for LAMA2-related muscular dystrophy. Last evaluated: 2026-01-20. Review status: criteria provided, single submitter. Criteria: Invitae Variant Classification Sherloc (09022015). Collection method: clinical testing. Allele origin: germline.

GeneDx
Classification: Uncertain significance. Last evaluated: 2025-06-20. Review status: criteria provided, single submitter. Criteria: GeneDx Variant Classification Process June 2021. Collection method: clinical testing. Allele origin: germline. Affected: yes.
Comment: In silico analysis supports that this missense variant has a deleterious effect on protein structure/function; Has not been previously published as pathogenic or benign to our knowledge

Fulgent Genetics
Classification: Uncertain significance for Merosin deficient congenital muscular dystrophy; Muscular dystrophy, limb-girdle, autosomal recessive 23. Last evaluated: 2022-04-07. Review status: criteria provided, single submitter. Criteria: ACMG Guidelines, 2015. Collection method: clinical testing. Allele origin: unknown.

Revvity Omics, Revvity
Classification: Uncertain significance. Last evaluated: 2022-01-27. Review status: criteria provided, single submitter. Criteria: ACMG Guidelines, 2015. Collection method: clinical testing. Allele origin: germline.

Ambry Genetics
Classification: Uncertain significance for Inborn genetic diseases. Last evaluated: 2021-07-15. Review status: criteria provided, single submitter. Criteria: Ambry Variant Classification Scheme 2023. Collection method: clinical testing. Allele origin: germline.

Dr. Peter K. Rogan Lab, Western University
No classification provided (evidence only). Condition: Malignant tumor of esophagus. Review status: no classification provided. Collection method: in vitro. Allele origin: not applicable. Functional consequence: retained intron. Not counted in ClinVar's aggregate classification.